The following is an entry in ClinVar:

NM_007118.4(TRIO):c.8008G>C (p.Val2670Leu)

Gene: TRIO (trio Rho guanine nucleotide exchange factor; plus strand). Cytogenetic location: 5p15.2.
Variant type: single nucleotide variant.
Coding change: c.8008G>C on transcript NM_007118.4 (MANE Select); coding-DNA position 8008, G replaced by C.
Protein change: p.Val2670Leu; replaces valine 2670 with leucine.
Molecular consequence: missense variant. On other transcripts: non-coding transcript variant (1).
Genome position (GRCh38, 1-based): chr5:14,497,006, G>C. VCF-style: chr5-14497006-G-C. GRCh37 (hg19) VCF-style: chr5-14497115-G-C.
Other names: short protein forms V2670L.
Identifiers: ClinVar variation 2655355 (VCV002655355.24), dbSNP rs759829470, ClinGen allele CA359238956.

ClinVar aggregate classification (germline): Uncertain significance (1 of 4 stars; one submission).

Submission:

CeGaT Center for Human Genetics Tuebingen
Classification: Uncertain significance. Last evaluated: 2022-11-01. Review status: criteria provided, single submitter. Criteria: CeGaT Center For Human Genetics Tuebingen Variant Classification Criteria Version 2. Collection method: clinical testing. Allele origin: germline. Affected: yes. Observed: 1 variant allele.
Comment: TRIO: PM2